The following is an entry in ClinVar:

ClinVar aggregate classification (germline): Uncertain significance (1 of 4 stars; one submission).

Conditions:
Hereditary cancer-predisposing syndrome. Also called: Neoplastic Syndromes, Hereditary; Tumor predisposition; Hereditary neoplastic syndrome; Hereditary Cancer Syndrome. Identifiers: Orphanet 140162, MedGen C0027672, MeSH D009386, MONDO:0015356.

gnomAD v4.1: 2 of 1,614,026 alleles (0.00012%); highest among the groups gnomAD compares: Non-Finnish European, 0.00017%; no homozygotes.

Submission:

Ambry Genetics
Classification: Uncertain significance for Hereditary cancer-predisposing syndrome. Last evaluated: 2026-09-08. Review status: criteria provided, single submitter. Criteria: Ambry Variant Classification Scheme 2023. Collection method: clinical testing. Allele origin: germline.
Comment: The p.G732R variant (also known as c.2194G>C), located in coding exon 5 of the PALB2 gene, results from a G to C substitution at nucleotide position 2194. The glycine at codon 732 is replaced by arginine, an amino acid with dissimilar properties. This amino acid position is conserved. In addition, the in silico prediction for this alteration is inconclusive. Based on the available evidence, the clinical significance of this variant remains unclear.

NM_024675.4(PALB2):c.2194G>C (p.Gly732Arg)

Gene: PALB2 (partner and localizer of BRCA2; minus strand). Cytogenetic location: 16p12.2.
Variant type: single nucleotide variant.
Coding change: c.2194G>C on transcript NM_024675.4 (MANE Select); coding-DNA position 2194, G replaced by C.
Protein change: p.Gly732Arg; replaces glycine 732 with arginine.
Molecular consequence: missense variant. On other transcripts: intron variant (1).
Genome position (GRCh38, 1-based): chr16:23,629,960, C>G on the plus strand (G>C on the coding strand, the complement: PALB2 is on the minus strand). VCF-style: chr16-23629960-C-G. GRCh37 (hg19) VCF-style: chr16-23641281-C-G.
Other names: c.2194G>C, p.Gly732Arg (NM_001407301.1, NM_001407302.1, NM_001407297.1 and 3 more transcripts); c.1309G>C, p.Gly437Arg (NM_001407304.1, NM_001407305.1, NM_001407306.1 and 5 more transcripts); c.2134G>C, p.Gly712Arg (NM_001407296.1); c.406G>C, p.Gly136Arg (NM_001407312.1, NM_001407313.1); c.49-685G>C (NM_001407314.1); short protein forms G732R, G712R, G437R, G136R.
Identifiers: ClinVar variation 5026200 (VCV005026200.1).